The following is an entry in ClinVar:

ClinVar aggregate classification (germline): Uncertain significance (1 of 4 stars; one submission).

Conditions:
Autosomal recessive limb-girdle muscular dystrophy type 2J (LGMDR10). Also called: Limb-girdle muscular dystrophy, type 2J; MUSCULAR DYSTROPHY, LIMB-GIRDLE, AUTOSOMAL RECESSIVE 10. Identifiers: Orphanet 140922, MedGen C1837342, MONDO:0012127, OMIM 608807.
Dilated cardiomyopathy 1G (CMD1G). Identifiers: Orphanet 154, MedGen C1858763, MONDO:0011400, OMIM 604145.

Allele frequency attached by ClinVar (database versions not stated): gnomAD exomes below 0.00001 and 0.00001.
gnomAD v4.1: 2 of 1,613,636 alleles (0.00012%); highest among the groups gnomAD compares: Admixed American, 0.0033%; no homozygotes.

Submission:

Labcorp Genetics (formerly Invitae), Labcorp
Classification: Uncertain significance for Dilated cardiomyopathy 1G; Autosomal recessive limb-girdle muscular dystrophy type 2J. Last evaluated: 2024-11-03. Review status: criteria provided, single submitter. Criteria: Invitae Variant Classification Sherloc (09022015). Collection method: clinical testing. Allele origin: germline.
Comment: This sequence change replaces valine, which is neutral and non-polar, with alanine, which is neutral and non-polar, at codon 33796 of the TTN protein (p.Val33796Ala). This variant is present in population databases (no rsID available, gnomAD 0.006%). This variant has not been reported in the literature in individuals affected with TTN-related conditions. ClinVar contains an entry for this variant (Variation ID: 466695). Experimental studies and prediction algorithms are not available or were not evaluated, and the functional significance of this variant is currently unknown. This variant is located in the M band of TTN (PMID: 25589632). Non-truncating variants in this region may be relevant for neuromuscular disorders, but have not been definitively shown to cause cardiomyopathy (PMID: 23975875). In summary, the available evidence is currently insufficient to determine the role of this variant in disease. Therefore, it has been classified as a Variant of Uncertain Significance.

Literature cited by the submitters: PubMed 25589632; PubMed 23975875.

NM_001267550.2(TTN):c.101387T>C (p.Val33796Ala)

Genes: TTN-AS1 (TTN antisense RNA 1; plus strand), TTN (titin; minus strand). Cytogenetic location: 2q31.2.
Variant type: single nucleotide variant.
Coding change: c.101387T>C on transcript NM_001267550.2 (MANE Select); coding-DNA position 101387, T replaced by C.
Protein change: p.Val33796Ala; replaces valine 33796 with alanine.
Molecular consequence: missense variant.
Genome position (GRCh38, 1-based): chr2:178,535,228, A>G on the plus strand (T>C on the coding strand, the complement: TTN is on the minus strand). VCF-style: chr2-178535228-A-G. GRCh37 (hg19) VCF-style: chr2-179399955-A-G.
Other names: c.96464T>C, p.Val32155Ala (NM_001256850.1); c.74192T>C, p.Val24731Ala (NM_003319.4); c.93683T>C, p.Val31228Ala (NM_133378.4); c.74567T>C, p.Val24856Ala (NM_133432.3); c.74768T>C, p.Val24923Ala (NM_133437.4); short protein forms V33796A, V31228A, V24731A, V24856A, V24923A, V32155A.
Identifiers: ClinVar variation 466695 (VCV000466695.7), dbSNP rs1454018253, ClinGen allele CA349420822.